The following is an entry in ClinVar:

ClinVar aggregate classification (germline): Uncertain significance. Review status: criteria provided, multiple submitters, no conflicts (2 of 4 stars). 2 submissions from 2 submitters: Uncertain significance (2). Last evaluated 2025-08-25.

Conditions:
Hereditary cancer-predisposing syndrome. Also called: Hereditary neoplastic syndrome; Neoplastic Syndromes, Hereditary; Tumor predisposition; Hereditary Cancer Syndrome. Identifiers: Orphanet 140162, MedGen C0027672, MeSH D009386, MONDO:0015356.
Familial adenomatous polyposis 1 (FAP1). Also called: FAMILIAL ADENOMATOUS POLYPOSIS 1, ATTENUATED; POLYPOSIS, ADENOMATOUS INTESTINAL. Identifiers: MedGen C2713442, MONDO:0021056, OMIM 175100. Disease mechanism: loss of function.

gnomAD v4.1: 2 of 1,613,044 alleles (0.00012%); highest among the groups gnomAD compares: Non-Finnish European, 0.00017%; no homozygotes.

Submissions (2):

Ambry Genetics
Classification: Uncertain significance for Hereditary cancer-predisposing syndrome. Last evaluated: 2025-08-25. Review status: criteria provided, single submitter. Criteria: Ambry Variant Classification Scheme 2023. Collection method: clinical testing. Allele origin: germline.
Comment: The p.S1837N variant (also known as c.5510G>A), located in coding exon 15 of the APC gene, results from a G to A substitution at nucleotide position 5510. The serine at codon 1837 is replaced by asparagine, an amino acid with highly similar properties. This amino acid position is well conserved in available vertebrate species. In addition, in silico predictors for this gene do not accurately predict pathogenicity. Since supporting evidence is limited at this time, the clinical significance of this alteration remains unclear.

Labcorp Genetics (formerly Invitae), Labcorp
Classification: Uncertain significance for Familial adenomatous polyposis 1. Last evaluated: 2025-05-27. Review status: criteria provided, single submitter. Criteria: Invitae Variant Classification Sherloc (09022015). Collection method: clinical testing. Allele origin: germline.
Comment: This sequence change replaces serine, which is neutral and polar, with asparagine, which is neutral and polar, at codon 1837 of the APC protein (p.Ser1837Asn). This variant is not present in population databases (gnomAD no frequency). This variant has not been reported in the literature in individuals affected with APC-related conditions. ClinVar contains an entry for this variant (Variation ID: 942700). Invitae Evidence Modeling of protein sequence and biophysical properties (such as structural, functional, and spatial information, amino acid conservation, physicochemical variation, residue mobility, and thermodynamic stability) indicates that this missense variant is not expected to disrupt APC protein function with a negative predictive value of 95%. In summary, the available evidence is currently insufficient to determine the role of this variant in disease. Therefore, it has been classified as a Variant of Uncertain Significance.

NM_000038.6(APC):c.5510G>A (p.Ser1837Asn)

Gene: APC (APC regulator of Wnt signaling pathway; plus strand). Cytogenetic location: 5q22.2.
Variant type: single nucleotide variant.
Coding change: c.5510G>A on transcript NM_000038.6 (MANE Select); coding-DNA position 5510, G replaced by A.
Protein change: p.Ser1837Asn; replaces serine 1837 with asparagine.
Molecular consequence: missense variant.
Genome position (GRCh38, 1-based): chr5:112,841,104, G>A. VCF-style: chr5-112841104-G-A. GRCh37 (hg19) VCF-style: chr5-112176801-G-A.
Other names: c.5510G>A, p.Ser1837Asn (NM_001127510.3, NM_001354895.2); c.5456G>A, p.Ser1819Asn (NM_001127511.3); c.5564G>A, p.Ser1855Asn (NM_001354896.2); c.5540G>A, p.Ser1847Asn (NM_001354897.2); c.5435G>A, p.Ser1812Asn (NM_001354898.2); c.5426G>A, p.Ser1809Asn (NM_001354899.2); c.5387G>A, p.Ser1796Asn (NM_001354900.2); c.5333G>A, p.Ser1778Asn (NM_001354901.2); and 5 more; short protein forms S1778N, S1796N, S1809N, S1812N, S1855N, S1677N, S1711N, S1736N.
Identifiers: ClinVar variation 942700 (VCV000942700.14), dbSNP rs1580660851, ClinGen allele CA16033385.